The following is an entry in ClinVar:

ClinVar aggregate classification (germline): Uncertain significance (1 of 4 stars; one submission).

Submission:

CeGaT Center for Human Genetics Tuebingen
Classification: Uncertain significance. Last evaluated: 2024-08-01. Review status: criteria provided, single submitter. Criteria: CeGaT Center For Human Genetics Tuebingen Variant Classification Criteria Version 2. Collection method: clinical testing. Allele origin: germline. Affected: yes. Observed: 1 variant allele.
Comment: HYDIN: PM2

NM_001270974.2(HYDIN):c.10528C>T (p.Leu3510Phe)

Gene: HYDIN (HYDIN axonemal central pair apparatus protein; minus strand). Cytogenetic location: 16q22.2.
Variant type: single nucleotide variant.
Coding change: c.10528C>T on transcript NM_001270974.2 (MANE Select); coding-DNA position 10528, C replaced by T.
Protein change: p.Leu3510Phe; replaces leucine 3510 with phenylalanine.
Molecular consequence: missense variant.
Genome position (GRCh38, 1-based): chr16:70,879,326, G>A on the plus strand (C>T on the coding strand, the complement: HYDIN is on the minus strand). VCF-style: chr16-70879326-G-A. GRCh37 (hg19) VCF-style: chr16-70913229-G-A.
Other names: short protein forms L3510F.
Identifiers: ClinVar variation 3341529 (VCV003341529.16).